The following is an entry in ClinVar:

NM_005366.5(MAGEA11):c.573C>A (p.Ser191Arg)

Gene: MAGEA11 (MAGE family member A11; plus strand). Cytogenetic location: Xq28.
Variant type: single nucleotide variant.
Coding change: c.573C>A on transcript NM_005366.5 (MANE Select); coding-DNA position 573, C replaced by A.
Protein change: p.Ser191Arg; replaces serine 191 with arginine.
Molecular consequence: missense variant.
Genome position (GRCh38, 1-based): chrX:149,716,059, C>A. VCF-style: chrX-149716059-C-A. GRCh37 (hg19) VCF-style: chrX-148797719-C-A.
Other names: c.486C>A, p.Ser162Arg (NM_001011544.2); short protein forms S162R, S191R.
Identifiers: ClinVar variation 3044833 (VCV003044833.2), dbSNP rs2233049, ClinGen allele CA10538180.

ClinVar aggregate classification (germline): Likely benign (0 of 4 stars; one submission).

Conditions:
MAGEA11-related disorder. Also called: MAGEA11-related condition.

Allele frequency attached by ClinVar (database versions not stated): gnomAD 0.00087; TOPMed 0.00093; ESP Exome Variant Server 0.00123; 1000 Genomes Project 0.00132; 1000 Genomes Project 30x 0.00166.
gnomAD v4.1: 185 of 1,210,356 alleles (0.015%); highest among the groups gnomAD compares: African/African-American, 0.3%; no homozygotes.

Submission:

PreventionGenetics, part of Exact Sciences
Classification: Likely benign for MAGEA11-related condition. Last evaluated: 2019-06-04. Review status: no assertion criteria provided. Collection method: clinical testing. Allele origin: germline.
Comment: This variant is classified as likely benign based on ACMG/AMP sequence variant interpretation guidelines (Richards et al. 2015 PMID: 25741868, with internal and published modifications).